The following is an entry in ClinVar:

ClinVar aggregate classification (germline): Uncertain significance (1 of 4 stars; one submission).

Conditions:
Congenital hyperammonemia, type I. Also called: CPS I DEFICIENCY; Carbamoyl phosphate synthetase I deficiency disease; Carbamoyl-phosphate synthase I deficiency; Carbamoyl phosphate synthetase 1 deficiency; Hyperammonemia due to carbamoyl phosphate synthetase 1 deficiency; CPS 1 deficiency. Identifiers: Orphanet 147, MedGen C4082171, MONDO:0009376, OMIM 237300.

gnomAD v4.1: 1 of 1,612,006 alleles (0.000062%); highest among the groups gnomAD compares: Non-Finnish European, 0.000085%; no homozygotes.

Submission:

Myriad Genetics, Inc.
Classification: Uncertain significance for Congenital hyperammonemia, type I. Last evaluated: 2026-07-15. Review status: criteria provided, single submitter. Criteria: Myriad Autosomal Dominant, Autosomal Recessive and X-Linked Classification Criteria (2023). Collection method: clinical testing. Allele origin: unknown.
Comment: NM_001875.4(CPS1):c.2374A>G(M792V) is a missense variant classified as a variant of uncertain significance in the context of carbamoylphosphate synthetase I deficiency. M792V has been observed in a case with relevant disease (PMID: 38394969). Relevant functional assessments of this variant are not available in the literature. M792V has not been observed in referenced population frequency databases. In summary, there is insufficient evidence to classify NM_001875.4(CPS1):c.2374A>G(M792V) as pathogenic or benign. Please note: this variant was assessed in the context of healthy population screening.

Literature cited by the submitters: PubMed 38394969.

NM_001875.5(CPS1):c.2374A>G (p.Met792Val)

Gene: CPS1 (carbamoyl-phosphate synthase 1; plus strand). Cytogenetic location: 2q34.
Variant type: single nucleotide variant.
Coding change: c.2374A>G on transcript NM_001875.5 (MANE Select); coding-DNA position 2374, A replaced by G.
Protein change: p.Met792Val; replaces methionine 792 with valine.
Molecular consequence: missense variant. On other transcripts: non-coding transcript variant (2).
Genome position (GRCh38, 1-based): chr2:210,608,542, A>G. VCF-style: chr2-210608542-A-G. GRCh37 (hg19) VCF-style: chr2-211473266-A-G.
Other names: c.2374A>G, p.Met792Val (NM_001122633.3, NM_001369257.1); c.2407A>G, p.Met803Val (NM_001369256.1); short protein forms M803V, M792V.
Identifiers: ClinVar variation 5003903 (VCV005003903.1).